The following is an entry in ClinVar:

NM_006231.4(POLE):c.3566T>C (p.Leu1189Pro)

Gene: POLE (DNA polymerase epsilon, catalytic subunit; minus strand). Cytogenetic location: 12q24.33.
Variant type: single nucleotide variant.
Coding change: c.3566T>C on transcript NM_006231.4 (MANE Select); coding-DNA position 3566, T replaced by C.
Protein change: p.Leu1189Pro; replaces leucine 1189 with proline.
Molecular consequence: missense variant.
Genome position (GRCh38, 1-based): chr12:132,657,152, A>G on the plus strand (T>C on the coding strand, the complement: POLE is on the minus strand). VCF-style: chr12-132657152-A-G. GRCh37 (hg19) VCF-style: chr12-133233738-A-G.
Other names: short protein forms L1189P.
Identifiers: ClinVar variation 3308350 (VCV003308350.1).
Genomic context (GRCh38, chr12:132,657,152, plus strand): 5'-TCACAAGGATCCCGCCCAGCCCAGCCTTGGGGCCCCACCGTCACCTGTCTCCTGCCCTCC[A>G]GGGTGAAGAGCTCACTGATCTTCTTCTGCTTGTAGACATCATTCTTCTCCAGCAGTTTTT-3'
Protein context (NP_006222.2, residues 1179-1199): KQKKISELFT[Leu1189Pro]EGRRQVTMAE

ClinVar aggregate classification (germline): Uncertain significance (1 of 4 stars; one submission).

Conditions:
Hereditary cancer-predisposing syndrome. Also called: Tumor predisposition; Hereditary Cancer Syndrome; Hereditary neoplastic syndrome; Neoplastic Syndromes, Hereditary. Identifiers: Orphanet 140162, MedGen C0027672, MeSH D009386, MONDO:0015356.

Submission:

Ambry Genetics
Classification: Uncertain significance for Hereditary cancer-predisposing syndrome. Last evaluated: 2024-04-19. Review status: criteria provided, single submitter. Criteria: Ambry Variant Classification Scheme 2023. Collection method: clinical testing. Allele origin: germline.
Comment: The p.L1189P variant (also known as c.3566T>C), located in coding exon 29 of the POLE gene, results from a T to C substitution at nucleotide position 3566. The leucine at codon 1189 is replaced by proline, an amino acid with similar properties. This amino acid position is conserved. In addition, this alteration is predicted to be tolerated by in silico analysis. Based on the available evidence, the clinical significance of this variant remains unclear.